The following is an entry in ClinVar:

ClinVar aggregate classification (germline): Benign/Likely benign. Review status: criteria provided, multiple submitters, no conflicts (2 of 4 stars). 3 submissions from 3 submitters: Benign (1); Likely benign (2). Last evaluated 2025-02-05.

Conditions:
Hereditary cancer-predisposing syndrome. Also called: Hereditary Cancer Syndrome; Tumor predisposition; Hereditary neoplastic syndrome; Neoplastic Syndromes, Hereditary. Identifiers: Orphanet 140162, MedGen C0027672, MeSH D009386, MONDO:0015356.
Familial adenomatous polyposis 1 (FAP1). Also called: FAMILIAL ADENOMATOUS POLYPOSIS 1, ATTENUATED; POLYPOSIS, ADENOMATOUS INTESTINAL. Identifiers: MedGen C2713442, MONDO:0021056, OMIM 175100. Disease mechanism: loss of function.

Submissions (3):

Labcorp Genetics (formerly Invitae), Labcorp
Classification: Likely benign for Familial adenomatous polyposis 1. Last evaluated: 2025-02-05. Review status: criteria provided, single submitter. Criteria: Invitae Variant Classification Sherloc (09022015). Collection method: clinical testing. Allele origin: germline.

Myriad Genetics, Inc.
Classification: Benign for Familial adenomatous polyposis 1. Last evaluated: 2024-04-02. Review status: criteria provided, single submitter. Criteria: Myriad Autosomal Dominant, Autosomal Recessive and X-Linked Classification Criteria (2023). Collection method: clinical testing. Allele origin: unknown.
Comment: This variant is considered benign. This variant is a silent/synonymous amino acid change and it is not expected to impact splicing.

Ambry Genetics
Classification: Likely benign for Hereditary cancer-predisposing syndrome. Last evaluated: 2024-03-18. Review status: criteria provided, single submitter. Criteria: Ambry Variant Classification Scheme 2023. Collection method: clinical testing. Allele origin: germline.

NM_000038.6(APC):c.5721T>C (p.Ala1907=)

Gene: APC (APC regulator of Wnt signaling pathway; plus strand). Cytogenetic location: 5q22.2.
Variant type: single nucleotide variant.
Coding change: c.5721T>C on transcript NM_000038.6 (MANE Select); coding-DNA position 5721, T replaced by C.
Protein change: p.Ala1907=; no amino-acid change (alanine 1907 retained).
Molecular consequence: synonymous variant. On other transcripts: non-coding transcript variant (2).
Genome position (GRCh38, 1-based): chr5:112,841,315, T>C. VCF-style: chr5-112841315-T-C. GRCh37 (hg19) VCF-style: chr5-112177012-T-C.
Other names: c.5721T>C, p.Ala1907= (NM_001127510.3, NM_001354895.2, NM_001407450.1); c.5667T>C, p.Ala1889= (NM_001127511.3); c.5775T>C, p.Ala1925= (NM_001354896.2, NM_001407447.1, NM_001407448.1 and 1 more transcripts); c.5751T>C, p.Ala1917= (NM_001354897.2); c.5646T>C, p.Ala1882= (NM_001354898.2); c.5637T>C, p.Ala1879= (NM_001354899.2); c.5598T>C, p.Ala1866= (NM_001354900.2); c.5544T>C, p.Ala1848= (NM_001354901.2, NM_001407453.1); and 12 more.
Identifiers: ClinVar variation 3254461 (VCV003254461.3), dbSNP rs2149947464.